The following is an entry in ClinVar:

NM_005529.7(HSPG2):c.5482C>T (p.Arg1828Cys)

Gene: HSPG2 (heparan sulfate proteoglycan 2; minus strand). Cytogenetic location: 1p36.12.
Variant type: single nucleotide variant.
Coding change: c.5482C>T on transcript NM_005529.7 (MANE Select); coding-DNA position 5482, C replaced by T.
Protein change: p.Arg1828Cys; replaces arginine 1828 with cysteine.
Molecular consequence: missense variant.
Genome position (GRCh38, 1-based): chr1:21,857,108, G>A on the plus strand (C>T on the coding strand, the complement: HSPG2 is on the minus strand). VCF-style: chr1-21857108-G-A. GRCh37 (hg19) VCF-style: chr1-22183601-G-A.
Other names: c.5485C>T, p.Arg1829Cys (NM_001291860.2); c.5482C>T (NM_005529.5); short protein forms R1828C, R1829C.
Identifiers: ClinVar variation 1026268 (VCV001026268.9), dbSNP rs780670641, ClinGen allele CA671917.

ClinVar aggregate classification (germline): Uncertain significance. Review status: criteria provided, multiple submitters, no conflicts (2 of 4 stars). 2 submissions from 2 submitters: Uncertain significance (2). Last evaluated 2025-02-10.

Allele frequency attached by ClinVar (database versions not stated): ExAC 0.00001; gnomAD exomes 0.00001 and 0.00002; TOPMed 0.00002.
gnomAD v4.1: 19 of 1,614,128 alleles (0.0012%); highest among the groups gnomAD compares: Middle Eastern, 0.016%; no homozygotes.

Submissions (2):

Labcorp Genetics (formerly Invitae), Labcorp
Classification: Uncertain significance. Last evaluated: 2025-02-10. Review status: criteria provided, single submitter. Criteria: Invitae Variant Classification Sherloc (09022015). Collection method: clinical testing. Allele origin: germline.
Comment: This sequence change replaces arginine, which is basic and polar, with cysteine, which is neutral and slightly polar, at codon 1828 of the HSPG2 protein (p.Arg1828Cys). This variant is present in population databases (rs780670641, gnomAD 0.004%). This variant has not been reported in the literature in individuals affected with HSPG2-related conditions. ClinVar contains an entry for this variant (Variation ID: 1026268). An algorithm developed to predict the effect of missense changes on protein structure and function (PolyPhen-2) suggests that this variant is likely to be disruptive. In summary, the available evidence is currently insufficient to determine the role of this variant in disease. Therefore, it has been classified as a Variant of Uncertain Significance.

GeneDx
Classification: Uncertain significance. Last evaluated: 2025-01-17. Review status: criteria provided, single submitter. Criteria: GeneDx Variant Classification Process June 2021. Collection method: clinical testing. Allele origin: germline. Affected: yes.
Comment: In silico analysis supports that this missense variant has a deleterious effect on protein structure/function; Has not been previously published as pathogenic or benign to our knowledge